The following is an entry in ClinVar:

NM_000834.5(GRIN2B):c.1780+4A>G

Gene: GRIN2B (glutamate ionotropic receptor NMDA type subunit 2B; minus strand). Cytogenetic location: 12p13.1.
Variant type: single nucleotide variant.
Coding change: c.1780+4A>G on transcript NM_000834.5 (MANE Select); 4 bases into the intron after coding-DNA position 1780, A replaced by G.
Molecular consequence: intron variant.
Genome position (GRCh38, 1-based): chr12:13,611,721, T>C on the plus strand (A>G on the coding strand, the complement: GRIN2B is on the minus strand). VCF-style: chr12-13611721-T-C. GRCh37 (hg19) VCF-style: chr12-13764655-T-C.
Other names: c.1780+4A>G (NM_001413992.1).
Identifiers: ClinVar variation 4279658 (VCV004279658.1).

ClinVar aggregate classification (germline): Uncertain significance (1 of 4 stars; one submission).

Conditions:
GRIN2B-related disorder. Also called: GRIN2B-related condition.

Submission:

Daryl Scott Lab, Baylor College of Medicine
Classification: Uncertain significance for GRIN2B-related disorder. Review status: criteria provided, single submitter. Criteria: ACMG Guidelines, 2015. Collection method: clinical testing. Allele origin: unknown. Affected: yes. Observed: 1 heterozygote.
Comment: PM2, BP4